The following is an entry in ClinVar:

NM_144596.4(TTC8):c.579+47T>A

Gene: TTC8 (tetratricopeptide repeat domain 8; plus strand). Cytogenetic location: 14q31.3.
Variant type: single nucleotide variant.
Coding change: c.579+47T>A on transcript NM_144596.4 (MANE Select); 47 bases into the intron after coding-DNA position 579, T replaced by A.
Molecular consequence: intron variant.
Genome position (GRCh38, 1-based): chr14:88,841,561, T>A. VCF-style: chr14-88841561-T-A. GRCh37 (hg19) VCF-style: chr14-89307905-T-A.
Other names: c.30+4T>A (NM_001288782.1); c.549+47T>A (NM_001288781.1, NM_198309.3, NM_001366535.2); c.-199+365T>A (NM_001288783.1); c.459+365T>A (NM_198310.3, NM_001366536.2).
Identifiers: ClinVar variation 3357398 (VCV003357398.1).

ClinVar aggregate classification (germline): Likely benign (0 of 4 stars; one submission).

Conditions:
TTC8-related disorder. Also called: TTC8-related condition.

Submission:

PreventionGenetics, part of Exact Sciences
Classification: Likely benign for TTC8-related condition. Last evaluated: 2021-08-19. Review status: no assertion criteria provided. Collection method: clinical testing. Allele origin: germline.
Comment: This variant is classified as likely benign based on ACMG/AMP sequence variant interpretation guidelines (Richards et al. 2015 PMID: 25741868, with internal and published modifications).